The following is an entry in ClinVar:

ClinVar aggregate classification (germline): Benign (0 of 4 stars; one submission).

Conditions:
BIRC6-related disorder. Also called: BIRC6-related condition.

Allele frequency attached by ClinVar (database versions not stated): 1000 Genomes Project 30x 0.00390; 1000 Genomes Project 0.00399; TOPMed 0.01234; gnomAD 0.01296; ExAC 0.01306; ESP Exome Variant Server 0.01907.
gnomAD v4.1: 31,602 of 1,610,176 alleles (2%); highest among the groups gnomAD compares: Non-Finnish European, 2.4%; 436 homozygotes.

Submission:

PreventionGenetics, part of Exact Sciences
Classification: Benign for BIRC6-related condition. Last evaluated: 2019-03-14. Review status: no assertion criteria provided. Collection method: clinical testing. Allele origin: germline.
Comment: This variant is classified as benign based on ACMG/AMP sequence variant interpretation guidelines (Richards et al. 2015 PMID: 25741868, with internal and published modifications).

NM_016252.4(BIRC6):c.14232C>T (p.Ile4744=)

Gene: BIRC6 (baculoviral IAP repeat containing 6; plus strand). Cytogenetic location: 2p22.3.
Variant type: single nucleotide variant.
Coding change: c.14232C>T on transcript NM_016252.4 (MANE Select); coding-DNA position 14232, C replaced by T.
Protein change: p.Ile4744=; no amino-acid change (isoleucine 4744 retained).
Molecular consequence: synonymous variant.
Genome position (GRCh38, 1-based): chr2:32,607,616, C>T. VCF-style: chr2-32607616-C-T. GRCh37 (hg19) VCF-style: chr2-32832683-C-T.
Other names: c.14229C>T, p.Ile4743= (NM_001378125.1).
Identifiers: ClinVar variation 3055305 (VCV003055305.2), dbSNP rs56242351, ClinGen allele CA1605708.